The following is an entry in ClinVar:

ClinVar aggregate classification (germline): Uncertain significance. Review status: criteria provided, multiple submitters, no conflicts (2 of 4 stars). 2 submissions from 2 submitters: Uncertain significance (2). Last evaluated 2025-10-17.

Conditions:
Aortic aneurysm, familial thoracic 7 (AAT7). Also called: AORTIC DISSECTION, FAMILIAL, WITH OR WITHOUT AORTIC ANEURYSM. Identifiers: MedGen C3151077, MONDO:0013418, OMIM 613780.
Familial thoracic aortic aneurysm and aortic dissection (TAAD). Also called: Thoracic aortic aneurysms and dissections. Identifiers: Orphanet 91387, MedGen C4707243, MONDO:0019625.

gnomAD v4.1: 2 of 1,613,850 alleles (0.00012%); highest among the groups gnomAD compares: Admixed American, 0.0017%; no homozygotes.

Submissions (2):

Ambry Genetics
Classification: Uncertain significance for Familial thoracic aortic aneurysm and aortic dissection. Last evaluated: 2025-10-17. Review status: criteria provided, single submitter. Criteria: Ambry Variant Classification Scheme 2023. Collection method: clinical testing. Allele origin: germline.

Labcorp Genetics (formerly Invitae), Labcorp
Classification: Uncertain significance for Aortic aneurysm, familial thoracic 7. Last evaluated: 2025-05-28. Review status: criteria provided, single submitter. Criteria: Invitae Variant Classification Sherloc (09022015). Collection method: clinical testing. Allele origin: germline.
Comment: This sequence change replaces arginine, which is basic and polar, with serine, which is neutral and polar, at codon 152 of the MYLK protein (p.Arg152Ser). The frequency data for this variant in the population databases is considered unreliable, as metrics indicate poor data quality at this position in the gnomAD database. This variant has not been reported in the literature in individuals affected with MYLK-related conditions. ClinVar contains an entry for this variant (Variation ID: 1408802). Invitae Evidence Modeling of protein sequence and biophysical properties (such as structural, functional, and spatial information, amino acid conservation, physicochemical variation, residue mobility, and thermodynamic stability) indicates that this missense variant is not expected to disrupt MYLK protein function with a negative predictive value of 95%. In summary, the available evidence is currently insufficient to determine the role of this variant in disease. Therefore, it has been classified as a Variant of Uncertain Significance.

NM_053025.4(MYLK):c.454C>A (p.Arg152Ser)

Gene: MYLK (myosin light chain kinase; minus strand). Cytogenetic location: 3q21.1.
Variant type: single nucleotide variant.
Coding change: c.454C>A on transcript NM_053025.4 (MANE Select); coding-DNA position 454, C replaced by A.
Protein change: p.Arg152Ser; replaces arginine 152 with serine.
Molecular consequence: missense variant. On other transcripts: 5 prime UTR variant (1).
Genome position (GRCh38, 1-based): chr3:123,739,031, G>T on the plus strand (C>A on the coding strand, the complement: MYLK is on the minus strand). VCF-style: chr3-123739031-G-T. GRCh37 (hg19) VCF-style: chr3-123457878-G-T.
Other names: c.-75C>A (NM_001321309.2); c.454C>A, p.Arg152Ser (NM_053026.4, NM_053027.4, NM_053028.4); short protein forms R152S.
Identifiers: ClinVar variation 1408802 (VCV001408802.9), dbSNP rs559933360, ClinGen allele CA072030.
Genomic context (GRCh38, chr3:123,739,031, plus strand): 5'-CCACAACTCGGCCCAGCTTGGTAGCAAACTTTGGTGGGCACTCCCCCCAGATGCTAGGAC[G>T]GGTCTCCACTGCTGGAGCTGAAAATCTATCCCTGTAAGGAAATTGGCAGAGAATCCAGTC-3'
Protein context (NP_444253.3, residues 142-162): DRFSAPAVET[Arg152Ser]PSIWGECPPK